The following is an entry in ClinVar:

NM_001127649.3(PEX26):c.71C>G (p.Pro24Arg)

Gene: PEX26 (peroxisomal biogenesis factor 26; plus strand). Cytogenetic location: 22q11.21.
Variant type: single nucleotide variant.
Coding change: c.71C>G on transcript NM_001127649.3 (MANE Select); coding-DNA position 71, C replaced by G.
Protein change: p.Pro24Arg; replaces proline 24 with arginine.
Molecular consequence: missense variant.
Genome position (GRCh38, 1-based): chr22:18,078,447, C>G. VCF-style: chr22-18078447-C-G. GRCh37 (hg19) VCF-style: chr22-18561213-C-G.
Other names: c.71C>G, p.Pro24Arg (NM_001199319.2, NM_017929.6); c.71C>G (NM_017929.5); short protein forms P24R.
Identifiers: ClinVar variation 594230 (VCV000594230.9), dbSNP rs771847925, ClinGen allele CA10093213.
Genomic context (GRCh38, chr22:18,078,447, plus strand): 5'-ATTCTTCGACCTCTGCAGCCCCCCTCAGGGGGCTCGGGGGACCCCTGCGCAGCAGCGAGC[C>G]GGTGCGCGCGGTCCCGGCCCGGGCGCCGGCCGTGGACCTTCTGGAGGAGGCGGCCGACCT-3'
Protein context (NP_001121121.1, residues 14-34): GLGGPLRSSE[Pro24Arg]VRAVPARAPA

ClinVar aggregate classification (germline): Uncertain significance. Review status: criteria provided, multiple submitters, no conflicts (2 of 4 stars). 3 submissions from 3 submitters: Uncertain significance (3). Last evaluated 2025-02-25.

Conditions:
Peroxisome biogenesis disorder 7B (PBD7B). Identifiers: Orphanet 44, MedGen C3553951, MONDO:0013939, OMIM 614873.
Peroxisome biogenesis disorder 7A (Zellweger). Also called: Peroxisome biogenesis disorder 7A. Identifiers: Orphanet 912, MedGen C3888385, MONDO:0013938, OMIM 614872.
Inborn genetic diseases. Identifiers: MedGen C0950123, MeSH D030342.

Allele frequency attached by ClinVar (database versions not stated): gnomAD 0.00001; TOPMed 0.00005.

Submissions (3):

Ambry Genetics
Classification: Uncertain significance for Inborn genetic diseases. Last evaluated: 2025-02-25. Review status: criteria provided, single submitter. Criteria: Ambry Variant Classification Scheme 2023. Collection method: clinical testing. Allele origin: germline.

Labcorp Genetics (formerly Invitae), Labcorp
Classification: Uncertain significance for Peroxisome biogenesis disorder 7A (Zellweger); Peroxisome biogenesis disorder 7B. Last evaluated: 2022-06-13. Review status: criteria provided, single submitter. Criteria: Invitae Variant Classification Sherloc (09022015). Collection method: clinical testing. Allele origin: germline.
Comment: This sequence change replaces proline, which is neutral and non-polar, with arginine, which is basic and polar, at codon 24 of the PEX26 protein (p.Pro24Arg). The frequency data for this variant in the population databases is considered unreliable, as metrics indicate poor data quality at this position in the gnomAD database. This variant has not been reported in the literature in individuals affected with PEX26-related conditions. ClinVar contains an entry for this variant (Variation ID: 594230). Algorithms developed to predict the effect of missense changes on protein structure and function are either unavailable or do not agree on the potential impact of this missense change (SIFT: "Tolerated"; PolyPhen-2: "Possibly Damaging"; Align-GVGD: "Class C0"). In summary, the available evidence is currently insufficient to determine the role of this variant in disease. Therefore, it has been classified as a Variant of Uncertain Significance.

Eurofins Ntd Llc (ga)
Classification: Uncertain significance. Last evaluated: 2017-09-26. Review status: criteria provided, single submitter. Criteria: EGL Classification Definitions 2015. Collection method: clinical testing. Allele origin: germline. Observed: 1 variant allele, 1 heterozygote.